The following is an entry in ClinVar:

ClinVar aggregate classification (germline): Likely benign. Review status: criteria provided, multiple submitters, no conflicts (2 of 4 stars). 3 submissions from 3 submitters: Likely benign (3). Last evaluated 2022-06-13.

Conditions:
Methylmalonic acidemia with homocystinuria, type cblJ (MAHCJ). Also called: METHYLMALONIC ACIDURIA AND HOMOCYSTINURIA, cblJ TYPE. Identifiers: Orphanet 369955, MedGen C3553915, MONDO:0013925, OMIM 614857.

Allele frequency attached by ClinVar (database versions not stated): gnomAD exomes below 0.00001 and 0.00001; ExAC 0.00001; gnomAD 0.00001; TOPMed 0.00001; 1000 Genomes Project 30x 0.00016; 1000 Genomes Project 0.00020.
gnomAD v4.1: 11 of 1,614,230 alleles (0.00068%); highest among the groups gnomAD compares: East Asian, 0.0067%; no homozygotes.

Submissions (3):

Labcorp Genetics (formerly Invitae), Labcorp
Classification: Likely benign for Methylmalonic acidemia with homocystinuria, type cblJ. Last evaluated: 2022-06-13. Review status: criteria provided, single submitter. Criteria: Invitae Variant Classification Sherloc (09022015). Collection method: clinical testing. Allele origin: germline.

Blueprint Genetics
Classification: Likely benign. Last evaluated: 2022-02-09. Review status: criteria provided, single submitter. Criteria: ACMG Guidelines, 2015. Collection method: clinical testing. Allele origin: germline.

GeneDx
Classification: Likely benign. Last evaluated: 2017-10-03. Review status: criteria provided, single submitter. Criteria: GeneDx Variant Classification (06012015). Collection method: clinical testing. Allele origin: germline. Affected: yes.
Comment: This variant is considered likely benign or benign based on one or more of the following criteria: it is a conservative change, it occurs at a poorly conserved position in the protein, it is predicted to be benign by multiple in silico algorithms, and/or has population frequency not consistent with disease.

NM_005050.4(ABCD4):c.1753-4G>A

Gene: ABCD4 (ATP binding cassette subfamily D member 4; minus strand). Cytogenetic location: 14q24.3.
Variant type: single nucleotide variant.
Coding change: c.1753-4G>A on transcript NM_005050.4 (MANE Select); 4 bases into the intron before coding-DNA position 1753, G replaced by A.
Molecular consequence: intron variant. On other transcripts: non-coding transcript variant (3), 3 prime UTR variant (11).
Genome position (GRCh38, 1-based): chr14:74,286,533, C>T on the plus strand (G>A on the coding strand, the complement: ABCD4 is on the minus strand). VCF-style: chr14-74286533-C-T. GRCh37 (hg19) VCF-style: chr14-74753236-C-T.
Other names: c.1276-4G>A (NM_001353598.2, NM_020324.3); c.1492-4G>A (NM_001353593.2); c.964-4G>A (NM_001353604.2, NM_001353603.2, NM_001353602.2 and 1 more transcripts); c.1288-4G>A (NM_001353597.2); c.1339-4G>A (NM_001353596.2, NM_001353595.2); c.1627-4G>A (NM_001353591.2); c.*141G>A (NM_001353592.2, NM_001353594.2, NM_001353599.2 and 7 more transcripts); c.*257G>A (NM_001353610.2).
Identifiers: ClinVar variation 512297 (VCV000512297.10), dbSNP rs554458015, ClinGen allele CA7266579.
Genomic context (GRCh38, chr14:74,286,533, plus strand): 5'-GATTCTCATCAGCTCCCATCTTCCTCCTCCACAGAGTTTCAGAACCAAGGAATGAAACTA[C>T]AAGAGACCACCACCACATGGAGATCAGGCTGCCCTGGCCGCTGGCAGAGGAGGCCACTCG-3'